The following is an entry in ClinVar:

ClinVar aggregate classification (germline): Uncertain significance (1 of 4 stars; one submission).

Conditions:
Familial thoracic aortic aneurysm and aortic dissection (TAAD). Also called: Thoracic aortic aneurysms and dissections. Identifiers: Orphanet 91387, MedGen C4707243, MONDO:0019625.

Allele frequency attached by ClinVar (database versions not stated): gnomAD exomes below 0.00001.
gnomAD v4.1: 2 of 1,614,022 alleles (0.00012%); highest among the groups gnomAD compares: Non-Finnish European, 0.00017%; no homozygotes.

Submission:

Color Diagnostics, LLC DBA Color Health
Classification: Uncertain significance for Familial thoracic aortic aneurysm and aortic dissection. Last evaluated: 2023-10-30. Review status: criteria provided, single submitter. Criteria: ACMG Guidelines, 2015. Collection method: clinical testing. Allele origin: germline.
Comment: This missense variant replaces isoleucine with threonine at codon 289 of the FBN1 protein. Computational prediction suggests that this variant may have deleterious impact on protein structure and function (internally defined REVEL score threshold >= 0.7, PMID: 27666373). To our knowledge, functional studies have not been reported for this variant. This variant has not been reported in individuals affected with FBN1-related disorders in the literature. This variant has not been identified in the general population by the Genome Aggregation Database (gnomAD). The available evidence is insufficient to determine the role of this variant in disease conclusively. Therefore, this variant is classified as a Variant of Uncertain Significance.

NM_000138.5(FBN1):c.866T>C (p.Ile289Thr)

Gene: FBN1 (fibrillin 1; minus strand). Cytogenetic location: 15q21.1.
Variant type: single nucleotide variant.
Coding change: c.866T>C on transcript NM_000138.5 (MANE Select); coding-DNA position 866, T replaced by C.
Protein change: p.Ile289Thr; replaces isoleucine 289 with threonine.
Molecular consequence: missense variant.
Genome position (GRCh38, 1-based): chr15:48,526,252, A>G on the plus strand (T>C on the coding strand, the complement: FBN1 is on the minus strand). VCF-style: chr15-48526252-A-G. GRCh37 (hg19) VCF-style: chr15-48818449-A-G.
Other names: c.866T>C, p.Ile289Thr (NM_001406716.1); short protein forms I289T.
Identifiers: ClinVar variation 2773395 (VCV002773395.2), dbSNP rs2043913529, ClinGen allele CA392350594.